The following is an entry in ClinVar:

ClinVar aggregate classification (germline): Likely benign (0 of 4 stars; one submission).

Conditions:
GRIN2D-related disorder. Also called: GRIN2D-related condition.

Submission:

PreventionGenetics, part of Exact Sciences
Classification: Likely benign for GRIN2D-related condition. Last evaluated: 2024-06-18. Review status: no assertion criteria provided. Collection method: clinical testing. Allele origin: germline.
Comment: This variant is classified as likely benign based on ACMG/AMP sequence variant interpretation guidelines (Richards et al. 2015 PMID: 25741868, with internal and published modifications).

NM_000836.4(GRIN2D):c.3168G>T (p.Pro1056=)

Gene: GRIN2D (glutamate ionotropic receptor NMDA type subunit 2D; plus strand). Cytogenetic location: 19q13.33.
Variant type: single nucleotide variant.
Coding change: c.3168G>T on transcript NM_000836.4 (MANE Select); coding-DNA position 3168, G replaced by T.
Protein change: p.Pro1056=; no amino-acid change (proline 1056 retained).
Molecular consequence: synonymous variant.
Genome position (GRCh38, 1-based): chr19:48,443,094, G>T. VCF-style: chr19-48443094-G-T. GRCh37 (hg19) VCF-style: chr19-48946351-G-T.
Identifiers: ClinVar variation 3346220 (VCV003346220.1).